The following is an entry in ClinVar:

ClinVar aggregate classification (germline): Uncertain significance. Review status: criteria provided, multiple submitters, no conflicts (2 of 4 stars). 2 submissions from 2 submitters: Uncertain significance (2). Last evaluated 2023-11-27.

Conditions:
Primary ciliary dyskinesia. Also called: Ciliary dyskinesia. Identifiers: Orphanet 244, MedGen C0008780, MONDO:0016575, HP:0012265.

Allele frequency attached by ClinVar (database versions not stated): gnomAD 0.00006 and 0.00007; gnomAD exomes 0.00012 and 0.00016; ExAC 0.00015; TOPMed 0.00015; 1000 Genomes Project 30x 0.00031; 1000 Genomes Project 0.00040.
gnomAD v4.1: 184 of 1,612,826 alleles (0.011%); highest among the groups gnomAD compares: East Asian, 0.15%; no homozygotes.

Submissions (2):

Labcorp Genetics (formerly Invitae), Labcorp
Classification: Uncertain significance for Primary ciliary dyskinesia. Last evaluated: 2023-11-27. Review status: criteria provided, single submitter. Criteria: Invitae Variant Classification Sherloc (09022015). Collection method: clinical testing. Allele origin: germline.
Comment: This sequence change replaces valine, which is neutral and non-polar, with isoleucine, which is neutral and non-polar, at codon 1848 of the DNAH8 protein (p.Val1848Ile). This variant is present in population databases (rs149016705, gnomAD 0.2%). This variant has not been reported in the literature in individuals affected with DNAH8-related conditions. ClinVar contains an entry for this variant (Variation ID: 662705). Experimental studies and prediction algorithms are not available or were not evaluated, and the functional significance of this variant is currently unknown. In summary, the available evidence is currently insufficient to determine the role of this variant in disease. Therefore, it has been classified as a Variant of Uncertain Significance.

Ambry Genetics
Classification: Uncertain significance. Last evaluated: 2021-11-09. Review status: criteria provided, single submitter. Criteria: Ambry Variant Classification Scheme 2023. Collection method: clinical testing. Allele origin: germline.

NM_001206927.2(DNAH8):c.5542G>A (p.Val1848Ile)

Gene: DNAH8 (dynein axonemal heavy chain 8; plus strand). Cytogenetic location: 6p21.2.
Variant type: single nucleotide variant.
Coding change: c.5542G>A on transcript NM_001206927.2 (MANE Select); coding-DNA position 5542, G replaced by A.
Protein change: p.Val1848Ile; replaces valine 1848 with isoleucine.
Molecular consequence: missense variant.
Genome position (GRCh38, 1-based): chr6:38,852,769, G>A. VCF-style: chr6-38852769-G-A. GRCh37 (hg19) VCF-style: chr6-38820545-G-A.
Other names: c.4891G>A, p.Val1631Ile (NM_001371.4); short protein forms V1631I, V1848I.
Identifiers: ClinVar variation 662705 (VCV000662705.7), dbSNP rs149016705, ClinGen allele CA3789408.
Genomic context (GRCh38, chr6:38,852,769, plus strand): 5'-GTATCTGACAACATCAATGAGGTGACATTTCATGCAAAAGACTATGATCGCATCATGGCC[G>A]TCATATCAAGAGAAGGAGAAAAAATTGTTGTAATTTACCTTGCTTTAAATTTTTTTATTA-3'
Protein context (NP_001193856.1, residues 1838-1858): HAKDYDRIMA[Val1848Ile]ISREGEKIVL